The following is an entry in ClinVar:

ClinVar aggregate classification (germline): Uncertain significance. Review status: criteria provided, single submitter (1 of 4 stars). 2 submissions from 2 submitters: Uncertain significance (1). 1 of the submissions does not count toward it. Last evaluated 2021-03-10.

Conditions:
Alstrom syndrome (ALMS). Identifiers: Orphanet 64, MedGen C0268425, MONDO:0008763, OMIM 203800.

Allele frequency attached by ClinVar (database versions not stated): ExAC 0.00001.
gnomAD v4.1: 8 of 1,613,270 alleles (0.0005%); highest among the groups gnomAD compares: East Asian, 0.016%; no homozygotes.

Submissions (2):

Labcorp Genetics (formerly Invitae), Labcorp
Classification: Uncertain significance for Alstrom syndrome. Last evaluated: 2021-03-10. Review status: criteria provided, single submitter. Criteria: Invitae Variant Classification Sherloc (09022015). Collection method: clinical testing. Allele origin: germline.
Comment: This sequence change replaces asparagine with serine at codon 2517 of the ALMS1 protein (p.Asn2517Ser). The asparagine residue is moderately conserved and there is a small physicochemical difference between asparagine and serine. This variant is present in population databases (rs776055214, ExAC 0.01%). This variant has not been reported in the literature in individuals with ALMS1-related conditions. Experimental studies and prediction algorithms are not available or were not evaluated, and the functional significance of this variant is currently unknown. In summary, the available evidence is currently insufficient to determine the role of this variant in disease. Therefore, it has been classified as a Variant of Uncertain Significance.

Natera, Inc.
Classification: Uncertain significance for Alstrom syndrome. Last evaluated: 2025-04-07. Review status: no assertion criteria provided. Collection method: clinical testing. Allele origin: germline. Not counted in ClinVar's aggregate classification.

NM_001378454.1(ALMS1):c.7547A>G (p.Asn2516Ser)

Gene: ALMS1 (ALMS1 centrosome and basal body associated protein; plus strand). Cytogenetic location: 2p13.1.
Variant type: single nucleotide variant.
Coding change: c.7547A>G on transcript NM_001378454.1 (MANE Select); coding-DNA position 7547, A replaced by G.
Protein change: p.Asn2516Ser; replaces asparagine 2516 with serine.
Molecular consequence: missense variant.
Genome position (GRCh38, 1-based): chr2:73,455,168, A>G. VCF-style: chr2-73455168-A-G. GRCh37 (hg19) VCF-style: chr2-73682295-A-G.
Other names: c.7550A>G, p.Asn2517Ser (NM_015120.4); short protein forms N2516S, N2517S.
Identifiers: ClinVar variation 2055890 (VCV002055890.2), dbSNP rs776055214, ClinGen allele CA1714272.
Genomic context (GRCh38, chr2:73,455,168, plus strand): 5'-TGACAAATTATCACTTTTGCATTGTATTATCTCAAGTGTATGCTTTCTCTCCAGCCTGGA[A>G]TATGAAGTTCAATTTAGCACATGATTGTGGATACTCCATTTCAGAATTAAATGAAGATGA-3'
Protein context (NP_001365383.1, residues 2506-2526): EESRVRAHAW[Asn2516Ser]MKFNLAHDCG